The following is an entry in ClinVar:

ClinVar aggregate classification (germline): Uncertain significance. Review status: criteria provided, multiple submitters, no conflicts (2 of 4 stars). 7 submissions from 7 submitters: Uncertain significance (7). Last evaluated 2025-03-10.

Conditions:
SLX4-related disorder. Also called: SLX4-related condition.
Fanconi anemia (FA). Also called: Fanconi's anemia. Identifiers: Orphanet 84, MedGen C0015625, MeSH D005199, MONDO:0019391.
Fanconi anemia complementation group P. Also called: SLX4-Related Fanconi Anemia. Identifiers: Orphanet 84, MedGen C3469542, MONDO:0013499, OMIM 613951.

Allele frequency attached by ClinVar (database versions not stated): gnomAD 0.00019 and 0.00017; 1000 Genomes Project 0.00020; ExAC 0.00024; 1000 Genomes Project 30x 0.00031; gnomAD exomes 0.00008 and 0.00011; TOPMed 0.00012.
gnomAD v4.1: 176 of 1,556,680 alleles (0.011%); highest among the groups gnomAD compares: Non-Finnish European, 0.014%; no homozygotes.

Submissions (7):

PreventionGenetics, part of Exact Sciences
Classification: Uncertain significance for SLX4-related condition. Last evaluated: 2025-03-10. Review status: criteria provided, single submitter. Criteria: ACMG Guidelines, 2015. Collection method: clinical testing. Allele origin: germline.
Comment: The SLX4 c.1829A>G variant is predicted to result in the amino acid substitution p.Gln610Arg. This variant is reported in 0.019% of alleles in individuals of European (Non-Finnish) descent in gnomAD and is interpreted as uncertain significance in ClinVar. At this time, the clinical significance of this variant is uncertain due to the absence of conclusive functional and genetic evidence.

Fulgent Genetics
Classification: Uncertain significance for Fanconi anemia complementation group P. Last evaluated: 2024-04-23. Review status: criteria provided, single submitter. Criteria: ACMG Guidelines, 2015. Collection method: clinical testing. Allele origin: germline.

GeneDx
Classification: Uncertain significance. Last evaluated: 2022-02-14. Review status: criteria provided, single submitter. Criteria: GeneDx Variant Classification Process June 2021. Collection method: clinical testing. Allele origin: germline. Affected: yes.
Comment: Reported as a variant of uncertain significance in male breast cancer patients (Rizzolo et al,. 2019); In silico analysis supports that this missense variant has a deleterious effect on protein structure/function; This variant is associated with the following publications: (PMID: 30613976)

Institute for Clinical Genetics, University Hospital TU Dresden, University Hospital TU Dresden
Classification: Uncertain significance. Last evaluated: 2021-11-03. Review status: criteria provided, single submitter. Criteria: ACMG Guidelines, 2015. Collection method: clinical testing. Allele origin: germline.

Sema4
Classification: Uncertain significance for Fanconi anemia. Last evaluated: 2021-09-02. Review status: criteria provided, single submitter. Criteria: Sema4 Curation Guidelines. Collection method: curation. Allele origin: germline.
Comment: The SLX4 c.1829A>G (p.Q610R) variant has been reported in 1 healthy individual in a case-control study of invasive epithelial ovarian cancer (PMID 32546565). This variant was observed in 15/78882 chromosomes in the Non-Finnish European population according to the Genome Aggregation Database (PMID: 32461654). This variant has been reported in ClinVar (Variation ID 845252). Functional studies have not been performed, and in silico predictions of the variant's effect on protein function are inconclusive. The overall evidence is insufficient to meet ACMG/AMP criteria for classifying it as benign or pathogenic. In summary, the clinical significance of this variant is currently uncertain.

Labcorp Genetics (formerly Invitae), Labcorp
Classification: Uncertain significance for Fanconi anemia. Last evaluated: 2021-08-27. Review status: criteria provided, single submitter. Criteria: Invitae Variant Classification Sherloc (09022015). Collection method: clinical testing. Allele origin: germline.
Comment: This sequence change replaces glutamine with arginine at codon 610 of the SLX4 protein (p.Gln610Arg). The glutamine residue is highly conserved and there is a small physicochemical difference between glutamine and arginine. This variant is present in population databases (rs544935776, ExAC 0.06%). This variant has not been reported in the literature in individuals affected with SLX4-related conditions. Algorithms developed to predict the effect of missense changes on protein structure and function are either unavailable or do not agree on the potential impact of this missense change (SIFT: "Deleterious"; PolyPhen-2: "Probably Damaging"; Align-GVGD: "Class C0"). In summary, the available evidence is currently insufficient to determine the role of this variant in disease. Therefore, it has been classified as a Variant of Uncertain Significance.

Illumina Laboratory Services, Illumina
Classification: Uncertain significance for Fanconi anemia complementation group P. Last evaluated: 2018-01-13. Review status: criteria provided, single submitter. Criteria: ICSL Variant Classification Criteria 13 December 2019. Collection method: clinical testing. Allele origin: germline.

Literature cited by the submitters: PubMed 32546565 (cited by Sema4).

NM_032444.4(SLX4):c.1829A>G (p.Gln610Arg)

Gene: SLX4 (SLX4 structure-specific endonuclease subunit; minus strand). Cytogenetic location: 16p13.3.
Variant type: single nucleotide variant.
Coding change: c.1829A>G on transcript NM_032444.4 (MANE Select); coding-DNA position 1829, A replaced by G.
Protein change: p.Gln610Arg; replaces glutamine 610 with arginine.
Molecular consequence: missense variant.
Genome position (GRCh38, 1-based): chr16:3,596,248, T>C on the plus strand (A>G on the coding strand, the complement: SLX4 is on the minus strand). VCF-style: chr16-3596248-T-C. GRCh37 (hg19) VCF-style: chr16-3646249-T-C.
Other names: c.1829A>G (NM_032444.3); short protein forms Q610R.
Identifiers: ClinVar variation 845252 (VCV000845252.16), dbSNP rs544935776, ClinGen allele CA7866401.